The following is an entry in ClinVar:

ClinVar aggregate classification (germline): Uncertain significance. Review status: criteria provided, multiple submitters, no conflicts (2 of 4 stars). 2 submissions from 2 submitters: Uncertain significance (2). Last evaluated 2024-12-24.

Conditions:
Fanconi anemia (FA). Also called: Fanconi's anemia. Identifiers: Orphanet 84, MedGen C0015625, MeSH D005199, MONDO:0019391.
Fanconi anemia complementation group P. Also called: SLX4-Related Fanconi Anemia. Identifiers: Orphanet 84, MedGen C3469542, MONDO:0013499, OMIM 613951.

Allele frequency attached by ClinVar (database versions not stated): gnomAD exomes 0.00003 and 0.00005; TOPMed 0.00003; ExAC 0.00004; gnomAD 0.00006; 1000 Genomes Project 30x 0.00016; 1000 Genomes Project 0.00020.
gnomAD v4.1: 51 of 1,614,048 alleles (0.0032%); highest among the groups gnomAD compares: Middle Eastern, 0.016%; no homozygotes.

Submissions (2):

Labcorp Genetics (formerly Invitae), Labcorp
Classification: Uncertain significance for Fanconi anemia. Last evaluated: 2024-12-24. Review status: criteria provided, single submitter. Criteria: Invitae Variant Classification Sherloc (09022015). Collection method: clinical testing. Allele origin: germline.
Comment: This sequence change replaces proline, which is neutral and non-polar, with leucine, which is neutral and non-polar, at codon 337 of the SLX4 protein (p.Pro337Leu). This variant is present in population databases (rs200363140, gnomAD 0.02%). This variant has not been reported in the literature in individuals affected with SLX4-related conditions. ClinVar contains an entry for this variant (Variation ID: 651632). An algorithm developed to predict the effect of missense changes on protein structure and function (PolyPhen-2) suggests that this variant is likely to be disruptive. In summary, the available evidence is currently insufficient to determine the role of this variant in disease. Therefore, it has been classified as a Variant of Uncertain Significance.

Fulgent Genetics
Classification: Uncertain significance for Fanconi anemia complementation group P. Last evaluated: 2022-03-26. Review status: criteria provided, single submitter. Criteria: ACMG Guidelines, 2015. Collection method: clinical testing. Allele origin: unknown.

NM_032444.4(SLX4):c.1010C>T (p.Pro337Leu)

Gene: SLX4 (SLX4 structure-specific endonuclease subunit; minus strand). Cytogenetic location: 16p13.3.
Variant type: single nucleotide variant.
Coding change: c.1010C>T on transcript NM_032444.4 (MANE Select); coding-DNA position 1010, C replaced by T.
Protein change: p.Pro337Leu; replaces proline 337 with leucine.
Molecular consequence: missense variant.
Genome position (GRCh38, 1-based): chr16:3,601,132, G>A on the plus strand (C>T on the coding strand, the complement: SLX4 is on the minus strand). VCF-style: chr16-3601132-G-A. GRCh37 (hg19) VCF-style: chr16-3651133-G-A.
Other names: c.1010C>T (LRG_503t1); short protein forms P337L.
Identifiers: ClinVar variation 651632 (VCV000651632.8), dbSNP rs200363140, ClinGen allele CA7866660.